The following is an entry in ClinVar:

NM_152281.3(GORAB):c.954G>C (p.Val318=)

Gene: GORAB (golgin, RAB6 interacting; plus strand). Cytogenetic location: 1q24.2.
Variant type: single nucleotide variant.
Coding change: c.954G>C on transcript NM_152281.3 (MANE Select); coding-DNA position 954, G replaced by C.
Protein change: p.Val318=; no amino-acid change (valine 318 retained).
Molecular consequence: synonymous variant. On other transcripts: non-coding transcript variant (1).
Genome position (GRCh38, 1-based): chr1:170,552,306, G>C. VCF-style: chr1-170552306-G-C. GRCh37 (hg19) VCF-style: chr1-170521447-G-C.
Other names: c.489G>C, p.Val163= (NM_001320252.2).
Identifiers: ClinVar variation 100891 (VCV000100891.6), dbSNP rs483352768, ClinGen allele CA229209.

ClinVar aggregate classification (germline): Conflicting classifications of pathogenicity. Review status: criteria provided, conflicting classifications (1 of 4 stars). 4 submissions from 3 submitters: Uncertain significance (1); Likely benign (1). 2 of the submissions do not count toward it. Last evaluated 2023-10-11.

Allele frequency attached by ClinVar (database versions not stated): gnomAD exomes below 0.00001; gnomAD 0.00001.

Submissions (4):

Labcorp Genetics (formerly Invitae), Labcorp
Classification: Likely benign. Last evaluated: 2023-10-11. Review status: criteria provided, single submitter. Criteria: Invitae Variant Classification Sherloc (09022015). Collection method: clinical testing. Allele origin: germline.

Breakthrough Genomics
Classification: Uncertain significance. Review status: criteria provided, single submitter. Criteria: ACMG Guidelines, 2015. Collection method: not provided. Allele origin: germline. Inheritance: Autosomal recessive inheritance. Affected: yes.

Richard Lifton Laboratory, Yale University School of Medicine
Classification: Uncertain significance. Review status: no assertion criteria provided. Collection method: not provided. Allele origin: somatic. Not counted in ClinVar's aggregate classification.
Comment: GORAB:p.V343V
ClinVar note: Converted during submission from unknown to Uncertain significance.

Richard Lifton Laboratory, Yale University School of Medicine
Classification: Uncertain significance. Review status: flagged submission. Collection method: not provided. Allele origin: somatic. Not counted in ClinVar's aggregate classification.
ClinVar note: Converted during submission from unknown to Uncertain significance.
ClinVar note: Reason: This record appears to be redundant with a more recent record from the same submitter.
ClinVar note: Notes: SCV000120116 appears to be redundant with SCV000155220.